The following is an entry in ClinVar:

ClinVar aggregate classification (germline): Uncertain significance. Review status: criteria provided, multiple submitters, no conflicts (2 of 4 stars). 2 submissions from 2 submitters: Uncertain significance (2). Last evaluated 2025-04-21.

Conditions:
Hereditary cancer-predisposing syndrome. Also called: Neoplastic Syndromes, Hereditary; Hereditary Cancer Syndrome; Tumor predisposition; Hereditary neoplastic syndrome. Identifiers: Orphanet 140162, MedGen C0027672, MeSH D009386, MONDO:0015356.

Allele frequency attached by ClinVar (database versions not stated): gnomAD exomes below 0.00001; TOPMed below 0.00001.

Submissions (2):

Labcorp Genetics (formerly Invitae), Labcorp
Classification: Uncertain significance for Hereditary cancer-predisposing syndrome. Last evaluated: 2025-04-21. Review status: criteria provided, single submitter. Criteria: Invitae Variant Classification Sherloc (09022015). Collection method: clinical testing. Allele origin: germline.
Comment: This sequence change replaces alanine, which is neutral and non-polar, with threonine, which is neutral and polar, at codon 182 of the RAD50 protein (p.Ala182Thr). This variant is present in population databases (no rsID available, gnomAD 0.006%). This variant has not been reported in the literature in individuals affected with RAD50-related conditions. ClinVar contains an entry for this variant (Variation ID: 853624). Invitae Evidence Modeling of protein sequence and biophysical properties (such as structural, functional, and spatial information, amino acid conservation, physicochemical variation, residue mobility, and thermodynamic stability) indicates that this missense variant is expected to disrupt RAD50 protein function with a positive predictive value of 80%. In summary, the available evidence is currently insufficient to determine the role of this variant in disease. Therefore, it has been classified as a Variant of Uncertain Significance.

Ambry Genetics
Classification: Uncertain significance for Hereditary cancer-predisposing syndrome. Last evaluated: 2025-01-03. Review status: criteria provided, single submitter. Criteria: Ambry Variant Classification Scheme 2023. Collection method: clinical testing. Allele origin: germline.
Comment: The p.A182T variant (also known as c.544G>A), located in coding exon 4 of the RAD50 gene, results from a G to A substitution at nucleotide position 544. The alanine at codon 182 is replaced by threonine, an amino acid with similar properties. This amino acid position is conserved. In addition, the in silico prediction for this alteration is inconclusive. Based on the available evidence, the clinical significance of this variant remains unclear.

NM_005732.4(RAD50):c.544G>A (p.Ala182Thr)

Gene: RAD50 (RAD50 double strand break repair protein; plus strand). Cytogenetic location: 5q31.1.
Variant type: single nucleotide variant.
Coding change: c.544G>A on transcript NM_005732.4 (MANE Select); coding-DNA position 544, G replaced by A.
Protein change: p.Ala182Thr; replaces alanine 182 with threonine.
Molecular consequence: missense variant.
Genome position (GRCh38, 1-based): chr5:132,579,495, G>A. VCF-style: chr5-132579495-G-A. GRCh37 (hg19) VCF-style: chr5-131915187-G-A.
Other names: short protein forms A182T.
Identifiers: ClinVar variation 853624 (VCV000853624.10), dbSNP rs1490643033, ClinGen allele CA360935215.